The following is an entry in ClinVar:

NM_021831.6(AGBL5):c.938G>A (p.Arg313His)

Gene: AGBL5 (AGBL carboxypeptidase 5; plus strand). Cytogenetic location: 2p23.3.
Variant type: single nucleotide variant.
Coding change: c.938G>A on transcript NM_021831.6 (MANE Select); coding-DNA position 938, G replaced by A.
Protein change: p.Arg313His; replaces arginine 313 with histidine.
Molecular consequence: missense variant. On other transcripts: non-coding transcript variant (2).
Genome position (GRCh38, 1-based): chr2:27,055,711, G>A. VCF-style: chr2-27055711-G-A. GRCh37 (hg19) VCF-style: chr2-27278579-G-A.
Other names: c.938G>A, p.Arg313His (NM_001035507.3); short protein forms R313H.
Identifiers: ClinVar variation 1213944 (VCV001213944.7), dbSNP rs1400709852, ClinGen allele CA346177529.
Genomic context (GRCh38, chr2:27,055,711, plus strand): 5'-AGAACCTGCTTCAGTCCTTGTTTTCCTACAGCACAGACTCACGTGGAGTGAATCTGAACC[G>A]TCAGTACCTGAAGCCTGATGCCGTCCTGCACCCGGCCATCTATGGGGCCAAAGCTGTGCT-3'
Protein context (NP_068603.4, residues 303-323): RTDSRGVNLN[Arg313His]QYLKPDAVLH

ClinVar aggregate classification (germline): Uncertain significance. Review status: criteria provided, multiple submitters, no conflicts (2 of 4 stars). 2 submissions from 2 submitters: Uncertain significance (2). Last evaluated 2022-04-29.

Conditions:
Retinitis pigmentosa 75 (RP75). Identifiers: Orphanet 791, MedGen C4310759, MONDO:0014871, OMIM 617023.

Allele frequency attached by ClinVar (database versions not stated): TOPMed below 0.00001; gnomAD exomes 0.00001.
gnomAD v4.1: 11 of 1,613,780 alleles (0.00068%); highest among the groups gnomAD compares: Admixed American, 0.0017%; no homozygotes.

Submissions (2):

Labcorp Genetics (formerly Invitae), Labcorp
Classification: Uncertain significance. Last evaluated: 2022-04-29. Review status: criteria provided, single submitter. Criteria: Invitae Variant Classification Sherloc (09022015). Collection method: clinical testing. Allele origin: germline.
Comment: In summary, the available evidence is currently insufficient to determine the role of this variant in disease. Therefore, it has been classified as a Variant of Uncertain Significance. Algorithms developed to predict the effect of missense changes on protein structure and function are either unavailable or do not agree on the potential impact of this missense change (SIFT: "Deleterious"; PolyPhen-2: "Probably Damaging"; Align-GVGD: "Class C0"). ClinVar contains an entry for this variant (Variation ID: 1213944). This variant has not been reported in the literature in individuals affected with AGBL5-related conditions. This variant is present in population databases (no rsID available, gnomAD 0.007%). This sequence change replaces arginine, which is basic and polar, with histidine, which is basic and polar, at codon 313 of the AGBL5 protein (p.Arg313His).

DBGen Ocular Genomics
Classification: Uncertain significance for Retinitis pigmentosa 75. Last evaluated: 2021-05-31. Review status: criteria provided, single submitter. Criteria: ACMG Guidelines, 2015. Collection method: clinical testing. Allele origin: germline. Affected: yes. Observed: 1 variant allele.